The following is an entry in ClinVar:

ClinVar aggregate classification (germline): Uncertain significance (1 of 4 stars; one submission).

gnomAD v4.1: 8 of 1,609,716 alleles (0.0005%); highest among the groups gnomAD compares: East Asian, 0.0045%; no homozygotes.

Submission:

Mayo Clinic Laboratories, Mayo Clinic
Classification: Uncertain significance. Last evaluated: 2025-09-04. Review status: criteria provided, single submitter. Criteria: ACMG Guidelines, 2015. Collection method: clinical testing. Allele origin: germline. Observed: 1 variant allele.
Comment: BP4_moderate, PM2_supporting

NM_003047.5(SLC9A1):c.1696G>A (p.Glu566Lys)

Gene: SLC9A1 (solute carrier family 9 member A1; minus strand). Cytogenetic location: 1p36.11.
Variant type: single nucleotide variant.
Coding change: c.1696G>A on transcript NM_003047.5 (MANE Select); coding-DNA position 1696, G replaced by A.
Protein change: p.Glu566Lys; replaces glutamic acid 566 with lysine.
Molecular consequence: missense variant. On other transcripts: non-coding transcript variant (1).
Genome position (GRCh38, 1-based): chr1:27,102,509, C>T on the plus strand (G>A on the coding strand, the complement: SLC9A1 is on the minus strand). VCF-style: chr1-27102509-C-T. GRCh37 (hg19) VCF-style: chr1-27429000-C-T.
Other names: p.Glu566Lys; short protein forms E566K.
Identifiers: ClinVar variation 4540943 (VCV004540943.1).